The following is an entry in ClinVar:

ClinVar aggregate classification (germline): Pathogenic. Review status: criteria provided, multiple submitters, no conflicts (2 of 4 stars). 4 submissions from 4 submitters: Pathogenic (4). Last evaluated 2026-01-08.

Conditions:
Hereditary cancer-predisposing syndrome. Also called: Neoplastic Syndromes, Hereditary; Hereditary neoplastic syndrome; Tumor predisposition; Hereditary Cancer Syndrome. Identifiers: Orphanet 140162, MedGen C0027672, MeSH D009386, MONDO:0015356.
Ataxia-telangiectasia syndrome (AT). Also called: Ataxia telangiectasia (A-T); Cerebello-oculocutaneous telangiectasia; Immunodeficiency with ataxia telangiectasia; LOUIS-BAR SYNDROME; AT, COMPLEMENTATION GROUP C; ATAXIA-TELANGIECTASIA, FRESNO VARIANT. Identifiers: Orphanet 100, MedGen C0004135, MONDO:0008840, OMIM 208900.
Familial cancer of breast. Also called: hereditary breast carcinoma; Hereditary breast cancer; BREAST CANCER, FAMILIAL. Identifiers: Orphanet 227535, MedGen C0346153, MONDO:0016419, OMIM 114480. Disease mechanism: loss of function.

Submissions (4):

Labcorp Genetics (formerly Invitae), Labcorp
Classification: Pathogenic for Ataxia-telangiectasia syndrome. Last evaluated: 2026-01-08. Review status: criteria provided, single submitter. Criteria: Invitae Variant Classification Sherloc (09022015). Collection method: clinical testing. Allele origin: germline.
Comment: This sequence change creates a premature translational stop signal (p.Ser2941*) in the ATM gene. It is expected to result in an absent or disrupted protein product. Loss-of-function variants in ATM are known to be pathogenic (PMID: 23807571, 25614872). This variant is not present in population databases (gnomAD no frequency). This premature translational stop signal has been observed in individual(s) with ataxia-telangiectasia (PMID: 8659541, 9150358). This variant is also known as 8822ins4 and 2941ins4. ClinVar contains an entry for this variant (Variation ID: 231099). Algorithms developed to predict the effect of sequence changes on RNA splicing suggest that this variant may disrupt the consensus splice site. For these reasons, this variant has been classified as Pathogenic.

Ambry Genetics
Classification: Pathogenic for Hereditary cancer-predisposing syndrome. Last evaluated: 2025-11-13. Review status: criteria provided, single submitter. Criteria: Ambry Variant Classification Scheme 2023. Collection method: clinical testing. Allele origin: germline.
Comment: The c.8818_8821dupAACT pathogenic mutation, located in coding exon 60 of the ATM gene, results from a duplication of AACT at nucleotide position 8818, causing a translational frameshift with a predicted alternate stop codon (p.S2941*). This alteration has been reported (as 8822ins4) in an individual with a clinical diagnosis of ataxia-telangiectasia who also was found to have a second truncating ATM mutation (Telatar M et al. Am. J. Hum. Genet., 1996 Jul;59:40-4). This variant is considered to be rare based on population cohorts in the Genome Aggregation Database (gnomAD). This alteration is expected to result in loss of function by premature protein truncation or nonsense-mediated mRNA decay. As such, this alteration is interpreted as a disease-causing mutation.

Women's Health and Genetics/Laboratory Corporation of America, LabCorp
Classification: Pathogenic for Ataxia-telangiectasia syndrome. Last evaluated: 2024-11-08. Review status: criteria provided, single submitter. Criteria: LabCorp Variant Classification Summary - May 2015. Collection method: clinical testing. Allele origin: germline.
Comment: Variant summary: ATM c.8818_8821dupAACT (p.Ser2941X) results in a premature termination codon, predicted to cause a truncation of the encoded protein or absence of the protein due to nonsense mediated decay, which are commonly known mechanisms for disease. The variant was absent in 251404 control chromosomes. c.8818_8821dupAACT has been reported in the literature in at least one individual affected with Ataxia-Telangiectasia (e.g. Teletar_1996). To our knowledge, no experimental evidence demonstrating an impact on protein function has been reported. The following publication has been ascertained in the context of this evaluation (PMID: 8659541). ClinVar contains an entry for this variant (Variation ID: 231099). Based on the evidence outlined above, the variant was classified as pathogenic.

Myriad Genetics, Inc.
Classification: Pathogenic for Familial cancer of breast. Last evaluated: 2024-02-05. Review status: criteria provided, single submitter. Criteria: Myriad Autosomal Dominant, Autosomal Recessive and X-Linked Classification Criteria (2023). Collection method: clinical testing. Allele origin: unknown.
Comment: This variant is considered pathogenic. This variant creates a termination codon and is predicted to result in premature protein truncation.

Literature cited by the submitters: PubMed 23807571 (cited by Labcorp Genetics (formerly Invitae), Labcorp); PubMed 25614872 (cited by Labcorp Genetics (formerly Invitae), Labcorp); PubMed 8659541 (cited by 3 submitters); PubMed 9150358 (cited by Labcorp Genetics (formerly Invitae), Labcorp and Ambry Genetics).

NM_000051.4(ATM):c.8818_8821dup (p.Ser2941Ter)

Genes: ATM (ATM serine/threonine kinase; plus strand), C11orf65 (chromosome 11 open reading frame 65; minus strand). Cytogenetic location: 11q22.3.
Variant type: Duplication.
Coding change: c.8818_8821dup on transcript NM_000051.4 (MANE Select); coding-DNA positions 8818 to 8821, 4 bases duplicated (AACT; older notation c.8818_8821dupAACT).
Protein change: p.Ser2941Ter; replaces serine 2941 with a stop codon.
Molecular consequence: nonsense. On other transcripts: frameshift variant (1), intron variant (2).
Genome position (GRCh38, 1-based): chr11:108,354,842-108,354,845, AACT duplicated. VCF-style (leftmost placement, unchanged base first): chr11-108354841-A-AAACT. GRCh37 (hg19) VCF-style: chr11-108225568-A-AAACT.
Other names: c.8818_8821dupAACT (NM_000051.3, NM_000051.4); c.8818_8821dup, p.Ser2941Ter (NM_001351834.2); c.640+31075_640+31078dup (NM_001330368.2); c.695-19553_695-19550dup (NM_001351110.2); short protein forms S2941*.
Identifiers: ClinVar variation 231099 (VCV000231099.16), dbSNP rs876658959, ClinGen allele CA10579321.